The following is an entry in ClinVar:

ClinVar aggregate classification (germline): Pathogenic (1 of 4 stars; one submission).

Conditions:
Muscular dystrophy-dystroglycanopathy (congenital with brain and eye anomalies), type A2. Also called: MUSCULAR DYSTROPHY-DYSTROGLYCANOPATHY (CONGENITAL WITH BRAIN AND EYE ANOMALIES), TYPE A, 2; WALKER-WARBURG SYNDROME OR MUSCLE-EYE-BRAIN DISEASE, POMT2-RELATED. Identifiers: Orphanet 588, Orphanet 899, MedGen C3150411, MONDO:0013154, OMIM 613150.
Muscular dystrophy-dystroglycanopathy (congenital with impaired intellectual development), type B, 2. Also called: Muscular dystrophy-dystroglycanopathy (congenital with intellectual disability), type B2; MUSCULAR DYSTROPHY, CONGENITAL, POMT2-RELATED. Identifiers: MedGen C3150416, MONDO:0013160, OMIM 613156.
Autosomal recessive limb-girdle muscular dystrophy type 2N. Also called: MUSCULAR DYSTROPHY-DYSTROGLYCANOPATHY, LIMB-GIRDLE, POMT2-RELATED; Muscular dystrophy-dystroglycanopathy (limb-girdle), type C, 2. Identifiers: Orphanet 206559, MedGen C3150418, MONDO:0013162, OMIM 613158.

Submission:

Labcorp Genetics (formerly Invitae), Labcorp
Classification: Pathogenic for Muscular dystrophy-dystroglycanopathy (congenital with impaired intellectual development), type B, 2; Muscular dystrophy-dystroglycanopathy (congenital with brain and eye anomalies), type A2; Autosomal recessive limb-girdle muscular dystrophy type 2N. Last evaluated: 2023-01-29. Review status: criteria provided, single submitter. Criteria: Invitae Variant Classification Sherloc (09022015). Collection method: clinical testing. Allele origin: unknown.
Comment: For these reasons, this variant has been classified as Pathogenic. This variant has not been reported in the literature in individuals affected with POMT2-related conditions. This variant is a gross deletion of the genomic region encompassing exon(s) 10 of the POMT2 gene. This deletion is out-of-frame, and is expected to create a premature termination codon and result in an absent or disrupted protein product. Loss-of-function variants in POMT2 are known to be pathogenic (PMID: 15894594).

Literature cited by the submitters: PubMed 15894594.

NC_000014.8:g.(?_77757637)_(77757743_?)del

Gene: POMT2 (protein O-mannosyltransferase 2; minus strand). Cytogenetic location: 14q24.3.
Variant type: Deletion.
Identifiers: ClinVar variation 3244011 (VCV003244011.1).